The following is an entry in ClinVar:

NM_003542.4(H4C3):c.27del (p.Gly10fs)

Gene: H4C3 (H4 clustered histone 3; plus strand). Cytogenetic location: 6p22.2.
Variant type: Deletion.
Coding change: c.27del on transcript NM_003542.4 (MANE Select); coding-DNA position 27, one base deleted (A; older notation c.27delA).
Protein change: p.Gly10fs; shifts the reading frame from glycine 10.
Molecular consequence: frameshift variant.
Genome position (GRCh38, 1-based): chr6:26,103,974, A deleted; the last of 4 consecutive A bases (chr6:26,103,971-26,103,974); deleting any one gives the same sequence. VCF-style (leftmost placement, unchanged base first): chr6-26103970-GA-G. GRCh37 (hg19) VCF-style: chr6-26104198-GA-G.
Other names: c.27delA (NM_003542.4); short protein forms G10fs.
Identifiers: ClinVar variation 3233630 (VCV003233630.3), dbSNP rs1408240187, ClinGen allele CA2677607626.

ClinVar aggregate classification (germline): Uncertain significance (1 of 4 stars; one submission).

Submission:

Women's Health and Genetics/Laboratory Corporation of America, LabCorp
Classification: Uncertain significance. Last evaluated: 2025-08-28. Review status: criteria provided, single submitter. Criteria: LabCorp Variant Classification Summary - May 2015. Collection method: clinical testing. Allele origin: germline.
Comment: Variant summary: H4C3 c.27delA (p.Gly10AlafsX54) results in a premature termination codon, predicted to cause a truncation of the encoded protein or absence of the protein due to nonsense mediated decay, however current evidence is not sufficient to establish loss of function as a mechanism for disease. The variant was absent in 250946 control chromosomes. The available data on variant occurrences in the general population are insufficient to allow any conclusion about variant significance. To our knowledge, no occurrence of c.27delA in individuals affected with H4C3-related conditions and no experimental evidence demonstrating its impact on protein function have been reported. ClinVar contains an entry for this variant (Variation ID: 3233630). Based on the evidence outlined above, the variant was classified as uncertain significance.